The following is an entry in ClinVar:

ClinVar aggregate classification (germline): Uncertain significance. Review status: criteria provided, multiple submitters, no conflicts (2 of 4 stars). 5 submissions from 5 submitters: Uncertain significance (5). Last evaluated 2026-01-19.

Conditions:
POLD1-related polyposis and colorectal cancer syndrome (CRCS10). Also called: Colorectal cancer 10; Colorectal cancer, susceptibility to, 10; COLORECTAL CANCER, SUSCEPTIBILITY TO, ON CHROMOSOME 19q. Identifiers: Orphanet 220460, MedGen C2675481, MONDO:0012953, OMIM 612591.
Hereditary cancer-predisposing syndrome. Also called: Hereditary Cancer Syndrome; Tumor predisposition; Neoplastic Syndromes, Hereditary; Hereditary neoplastic syndrome. Identifiers: Orphanet 140162, MedGen C0027672, MeSH D009386, MONDO:0015356.

Allele frequency attached by ClinVar (database versions not stated): gnomAD exomes 0.00002; ExAC 0.00005.
gnomAD v4.1: 33 of 1,551,802 alleles (0.0021%); highest among the groups gnomAD compares: South Asian, 0.0048%; no homozygotes.

Submissions (5):

Labcorp Genetics (formerly Invitae), Labcorp
Classification: Uncertain significance for POLD1-related polyposis and colorectal cancer syndrome. Last evaluated: 2026-01-19. Review status: criteria provided, single submitter. Criteria: Invitae Variant Classification Sherloc (09022015). Collection method: clinical testing. Allele origin: germline.
Comment: This sequence change replaces glycine, which is neutral and non-polar, with arginine, which is basic and polar, at codon 68 of the POLD1 protein (p.Gly68Arg). This variant also falls at the last nucleotide of exon 2, which is part of the consensus splice site for this exon. This variant is present in population databases (rs772866918, gnomAD 0.01%). This variant has not been reported in the literature in individuals affected with POLD1-related conditions. ClinVar contains an entry for this variant (Variation ID: 537106). An algorithm developed to predict the effect of missense changes on protein structure and function outputs the following: PolyPhen-2: "Benign". The arginine amino acid residue is found in multiple mammalian species, which suggests that this missense change does not adversely affect protein function. Variants that disrupt the consensus splice site are a relatively common cause of aberrant splicing (PMID: 17576681, 9536098). RNA analysis performed to evaluate the impact of this missense change on mRNA splicing indicates it does not significantly alter splicing (internal data). In summary, the available evidence is currently insufficient to determine the role of this variant in disease. Therefore, it has been classified as a Variant of Uncertain Significance.

Genetic Services Laboratory, University of Chicago
Classification: Uncertain significance. Last evaluated: 2025-12-01. Review status: criteria provided, single submitter. Criteria: ACMG Guidelines, 2015. Collection method: clinical testing. Allele origin: germline.
Comment: DNA sequence analysis of the POLD1 gene demonstrated a sequence change, c.202G>A, in exon 2 that results in an amino acid change, p.Gly68Arg. This sequence change has been described in gnomAD with a low population frequency of 0.0019% (dbSNP rs772866918). The p.Gly68Arg change affects a moderately conserved amino acid residue located in a domain of the POLD1 protein that is not known to be functional. In-silico pathogenicity prediction tools (SIFT, PolyPhen2, Align GVGD, REVEL) provide contradictory results for the p.Gly68Arg substitution. This sequence change does not appear to have been previously described in patients with POLD1-related disorders. Due to the lack of sufficient evidence, the clinical significance of the p.Gly68Arg change remains unknown at this time.

CeGaT Center for Human Genetics Tuebingen
Classification: Uncertain significance. Last evaluated: 2025-03-01. Review status: criteria provided, single submitter. Criteria: CeGaT Center For Human Genetics Tuebingen Variant Classification Criteria Version 2. Collection method: clinical testing. Allele origin: germline. Affected: yes. Observed: 1 variant allele.

GeneDx
Classification: Uncertain significance. Last evaluated: 2025-01-07. Review status: criteria provided, single submitter. Criteria: GeneDx Variant Classification Process June 2021. Collection method: clinical testing. Allele origin: germline. Affected: yes.
Comment: Not observed at significant frequency in large population cohorts (gnomAD); In silico analysis supports a deleterious effect on splicing; In silico analysis supports that this missense variant does not alter protein structure/function; Has not been previously published as pathogenic or benign to our knowledge

Ambry Genetics
Classification: Uncertain significance for Hereditary cancer-predisposing syndrome. Last evaluated: 2024-12-23. Review status: criteria provided, single submitter. Criteria: Ambry Variant Classification Scheme 2023. Collection method: clinical testing. Allele origin: germline.
Comment: The p.G68R variant (also known as c.202G>A), located in coding exon 1 of the POLD1 gene, results from a G to A substitution at nucleotide position 202. The amino acid change results in glycine to arginine at codon 68, an amino acid with dissimilar properties. However, this change occurs in the last base pair of coding exon 1, which makes it likely to have some effect on normal mRNA splicing. This nucleotide position is highly conserved in available vertebrate species. This amino acid position is highly conserved in available vertebrate species. In silico splice site analysis predicts that this alteration will weaken the native splice donor site. In addition, as a missense substitution this is predicted to be tolerated by in silico analysis. Based on the available evidence, the clinical significance of this variant remains unclear.

Literature cited by the submitters: PubMed 17576681 (cited by Labcorp Genetics (formerly Invitae), Labcorp); PubMed 9536098 (cited by Labcorp Genetics (formerly Invitae), Labcorp).

NM_002691.4(POLD1):c.202G>A (p.Gly68Arg)

Gene: POLD1 (DNA polymerase delta 1, catalytic subunit; plus strand). Cytogenetic location: 19q13.33.
Variant type: single nucleotide variant.
Coding change: c.202G>A on transcript NM_002691.4 (MANE Select); coding-DNA position 202, G replaced by A.
Protein change: p.Gly68Arg; replaces glycine 68 with arginine.
Molecular consequence: missense variant. On other transcripts: non-coding transcript variant (1).
Genome position (GRCh38, 1-based): chr19:50,399,053, G>A. VCF-style: chr19-50399053-G-A. GRCh37 (hg19) VCF-style: chr19-50902310-G-A.
Other names: c.202G>A, p.Gly68Arg (NM_001256849.1, NM_001308632.1); c.202G>A (NM_002691.2); short protein forms G68R.
Identifiers: ClinVar variation 537106 (VCV000537106.24), dbSNP rs772866918, ClinGen allele CA9595631.